The following is an entry in ClinVar:

NM_001024630.4(RUNX2):c.195A>G (p.Gln65=)

Genes: RUNX2 (RUNX family transcription factor 2; plus strand), LOC109611589 (runt related transcription factor 2 polyalanine expansion region; plus strand). Cytogenetic location: 6p21.1.
Variant type: single nucleotide variant.
Coding change: c.195A>G on transcript NM_001024630.4 (MANE Select); coding-DNA position 195, A replaced by G.
Protein change: p.Gln65=; no amino-acid change (glutamine 65 retained).
Molecular consequence: synonymous variant.
Genome position (GRCh38, 1-based): chr6:45,422,729, A>G. VCF-style: chr6-45422729-A-G. GRCh37 (hg19) VCF-style: chr6-45390466-A-G.
Other names: c.195A>G, p.Gln65= (NM_001015051.4); c.153A>G, p.Gln51= (NM_001278478.2, NM_001369405.1).
Identifiers: ClinVar variation 1121355 (VCV001121355.15), dbSNP rs575896136, ClinGen allele CA3836297.

ClinVar aggregate classification (germline): Likely benign. Review status: criteria provided, multiple submitters, no conflicts (2 of 4 stars). 4 submissions from 4 submitters: Likely benign (3). 1 of the submissions does not count toward it. Last evaluated 2024-07-27.

Conditions:
RUNX2-related disorder. Also called: RUNX2-related condition.

Allele frequency attached by ClinVar (database versions not stated): gnomAD 0.00001 and 0.00003; gnomAD exomes 0.00002; ExAC 0.00011; 1000 Genomes Project 0.00160.
gnomAD v4.1: 28 of 1,557,476 alleles (0.0018%); highest among the groups gnomAD compares: African/African-American, 0.0042%; no homozygotes.

Submissions (4):

Labcorp Genetics (formerly Invitae), Labcorp
Classification: Likely benign. Last evaluated: 2024-07-27. Review status: criteria provided, single submitter. Criteria: Invitae Variant Classification Sherloc (09022015). Collection method: clinical testing. Allele origin: germline.

Genetic Services Laboratory, University of Chicago
Classification: Likely benign. Last evaluated: 2019-04-09. Review status: criteria provided, single submitter. Criteria: ACMG Guidelines, 2015. Collection method: clinical testing. Allele origin: germline. Affected: no.

Breakthrough Genomics
Classification: Likely benign. Review status: criteria provided, single submitter. Criteria: ACMG Guidelines, 2015. Collection method: not provided. Allele origin: germline. Inheritance: Autosomal dominant inheritance. Affected: yes.

PreventionGenetics, part of Exact Sciences
Classification: Likely benign for RUNX2-related condition. Last evaluated: 2019-03-16. Review status: no assertion criteria provided. Collection method: clinical testing. Allele origin: germline. Not counted in ClinVar's aggregate classification.
Comment: This variant is classified as likely benign based on ACMG/AMP sequence variant interpretation guidelines (Richards et al. 2015 PMID: 25741868, with internal and published modifications).